The following is an entry in ClinVar:

NM_001005242.3(PKP2):c.2335A>G (p.Met779Val)

Gene: PKP2 (plakophilin 2; minus strand). Cytogenetic location: 12p11.21.
Variant type: single nucleotide variant.
Coding change: c.2335A>G on transcript NM_001005242.3 (MANE Select); coding-DNA position 2335, A replaced by G.
Protein change: p.Met779Val; replaces methionine 779 with valine.
Molecular consequence: missense variant. On other transcripts: intron variant (2).
Genome position (GRCh38, 1-based): chr12:32,796,131, T>C on the plus strand (A>G on the coding strand, the complement: PKP2 is on the minus strand). VCF-style: chr12-32796131-T-C. GRCh37 (hg19) VCF-style: chr12-32949065-T-C.
Other names: c.2170A>G, p.Met724Val (NM_001407156.1); c.2008A>G, p.Met670Val (NM_001407158.1, NM_001407159.1); c.2467A>G, p.Met823Val (NM_004572.4); c.2168-3400A>G (NM_001407155.1); c.1841-3400A>G (NM_001407160.1); short protein forms M670V, M724V, M779V, M823V.
Identifiers: ClinVar variation 3071482 (VCV003071482.2), dbSNP rs1956119447, ClinGen allele CA384357559.

ClinVar aggregate classification (germline): Uncertain significance. Review status: criteria provided, multiple submitters, no conflicts (2 of 4 stars). 2 submissions from 2 submitters: Uncertain significance (2). Last evaluated 2025-03-09.

Conditions:
Cardiomyopathy (CMYO). Also called: Cardiomyopathies. Identifiers: Orphanet 167848, MedGen C0878544, MONDO:0004994, HP:0001638. Inheritance: Various modes of inheritance.
Arrhythmogenic right ventricular cardiomyopathy (ARVD). Also called: Arrhythmogenic right ventricular dysplasia; Cardiomyopathy, ARVC; Arrhythmogenic cardiomyopathy; Arrhythmogenic Right Ventricular Cardiomyopathy (ARVC). Identifiers: Orphanet 247, MedGen C0349788, MeSH D019571, MONDO:0016587. Disease mechanism: loss of function. Inheritance: Various modes of inheritance.

Allele frequency attached by ClinVar (database versions not stated): gnomAD exomes below 0.00001.
gnomAD v4.1: 3 of 1,614,074 alleles (0.00019%); highest among the groups gnomAD compares: Middle Eastern, 0.016%; no homozygotes.

Submissions (2):

Color Diagnostics, LLC DBA Color Health
Classification: Uncertain significance for Cardiomyopathy. Last evaluated: 2025-03-09. Review status: criteria provided, single submitter. Criteria: ACMG Guidelines, 2015. Collection method: clinical testing. Allele origin: germline.
Comment: This missense variant replaces methionine with valine at codon 823 of the PKP2 protein. Computational prediction suggests that this variant may not impact protein structure and function (internally defined REVEL score threshold <= 0.5, PMID: 27666373). To our knowledge, functional studies have not been reported for this variant. This variant has not been reported in individuals affected with PKP2-related disorders in the literature. This variant has not been identified in the general population by the Genome Aggregation Database (gnomAD). The available evidence is insufficient to determine the role of this variant in disease conclusively. Therefore, this variant is classified as a Variant of Uncertain Significance.

All of Us Research Program, National Institutes of Health
Classification: Uncertain significance for Arrhythmogenic right ventricular cardiomyopathy. Last evaluated: 2023-06-08. Review status: criteria provided, single submitter. Criteria: ACMG Guidelines, 2015. Collection method: clinical testing. Allele origin: germline. Inheritance: Autosomal dominant inheritance. Observed: 1 variant allele, 1 heterozygote.
Comment: This missense variant replaces methionine with valine at codon 823 of the PKP2 protein. Computational prediction suggests that this variant may not impact protein structure and function (internally defined REVEL score threshold <= 0.5, PMID: 27666373). To our knowledge, functional studies have not been reported for this variant. This variant has not been reported in individuals affected with PKP2-related disorders in the literature. This variant has not been identified in the general population by the Genome Aggregation Database (gnomAD). The available evidence is insufficient to determine the role of this variant in disease conclusively. Therefore, this variant is classified as a Variant of Uncertain Significance.

This study involves interpretation of variants in research participants for the purpose of population health screening. Participant phenotype was not available at the time of variant classification. Additional details can be found in publication PMID: 35346344, PMCID: PMC8962531